The following is an entry in ClinVar:

ClinVar aggregate classification (germline): Pathogenic/Likely pathogenic. Review status: criteria provided, multiple submitters, no conflicts (2 of 4 stars). 16 submissions from 16 submitters: Pathogenic (10); Likely pathogenic (4). 2 of the submissions do not count toward it. Last evaluated 2026-08-17.

Conditions:
Fetal anomalies with a likely genetic cause.
Spondyloepimetaphyseal dysplasia, Strudwick type (SEMDSTWK). Also called: STRUDWICK SYNDROME; DAPPLED METAPHYSIS SYNDROME. Identifiers: Orphanet 93346, MedGen C0700635, MONDO:0008476, OMIM 184250.
Spondyloepiphyseal dysplasia with metatarsal shortening. Also called: Pseudorheumatoid dysplasia progressive, with hypoplastic toes; CZECH DYSPLASIA, METATARSAL TYPE; SPONDYLOEPIPHYSEAL DYSPLASIA WITH PRECOCIOUS OSTEOARTHRITIS. Identifiers: Orphanet 137678, MedGen C1836683, MONDO:0012206, OMIM 609162.
Spondyloepiphyseal dysplasia, Stanescu type. Also called: SED, STANESCU TYPE; SPONDYLOEPIMETAPHYSEAL DYSPLASIA, STANESCU TYPE. Identifiers: Orphanet 459051, MedGen C4225273, MONDO:0014701, OMIM 616583.
Avascular necrosis of femoral head, primary, 1 (ANFH1). Also called: Avascular necrosis of femoral head, primary. Identifiers: Orphanet 86820, MedGen C4551562, MONDO:0054550, OMIM 608805.
Platyspondylic dysplasia, Torrance type (PLSDT). Identifiers: Orphanet 85166, MedGen C1835437, MONDO:0007895, OMIM 151210.
Spondyloperipheral dysplasia. Also called: Spondyloperipheral dysplasia-short ulna syndrome; SPONDYLOPERIPHERAL DYSPLASIA WITH SHORT ULNA. Identifiers: Orphanet 1856, MedGen C0796173, MONDO:0010078, OMIM 271700.
Stickler syndrome type 1 (STL1). Also called: ARTHROOPHTHALMOPATHY, HEREDITARY PROGRESSIVE; STICKLER SYNDROME, MEMBRANOUS VITREOUS TYPE; STICKLER SYNDROME, VITREOUS TYPE 1; COL2A1-Related Stickler Syndrome. Identifiers: Orphanet 828, Orphanet 90653, MedGen C2020284, MONDO:0007160, OMIM 108300.
Spondyloepiphyseal dysplasia congenita (SEDC). Also called: SED CONGENITA; SPONDYLOEPIPHYSEAL DYSPLASIA, CONGENITAL TYPE. Identifiers: Orphanet 94068, MedGen C2745959, MONDO:0008471, OMIM 183900.
Kniest dysplasia. Identifiers: Orphanet 485, MedGen C0265279, MONDO:0007987, OMIM 156550.
Multiple epiphyseal dysplasia, Beighton type. Identifiers: Orphanet 166011, MedGen C1851536, MONDO:0007562, OMIM 132450.
Achondrogenesis type II (ACG2). Also called: ACHONDROGENESIS, LANGER-SALDINO TYPE; CHONDROGENESIS IMPERFECTA. Identifiers: Orphanet 932, Orphanet 93296, MedGen C0220685, MONDO:0008702, OMIM 200610.
Vitreoretinopathy with phalangeal epiphyseal dysplasia (VPED). Identifiers: MedGen C1852989, MONDO:0031001, OMIM 619248.
Stickler syndrome, type I, nonsyndromic ocular. Also called: STICKLER SYNDROME, TYPE I, PREDOMINANTLY OCULAR; STICKLER SYNDROME, ATYPICAL. Identifiers: MedGen C1836080, MONDO:0012287, OMIM 609508.
Namaqualand hip dysplasia (OSCDP). Also called: Mild spondyloepiphyseal dysplasia due to COL2A1 mutation with early-onset osteoarthritis. Identifiers: Orphanet 93279, MedGen C0432214, MONDO:0011496, OMIM 604864.
Legg-Calve-Perthes disease. Also called: PERTHES DISEASE; Osteochondritis deformans; Coxa plana; Avascular necrosis of the capital femoral epiphysis. Identifiers: Orphanet 2380, MedGen C1442965, MONDO:0007885, OMIM 150600, HP:0005743.
COL2A1-related disorder. Also called: COL2A1-related condition; COL2A1-related disorders.
Stickler syndrome. Identifiers: Orphanet 828, MedGen C0265253, MONDO:0019354.

Allele frequency attached by ClinVar (database versions not stated): gnomAD exomes below 0.00001; TOPMed below 0.00001.
gnomAD v4.1: 1 of 1,614,034 alleles (0.000062%); highest among the groups gnomAD compares: Admixed American, 0.0017%; no homozygotes.

Submissions 1 to 9 of 16:

Genetics Laboratory, Great Ormond Street Hospital NHS Foundation Trust, North Thames Genomic Laboratory Hub
Classification: Likely pathogenic for Fetal anomalies with a likely genetic cause. Last evaluated: 2026-08-17. Review status: criteria provided, single submitter. Criteria: ACGS Best Practice Guidelines for Variant Classification in Rare Disease 2024 v1.2. Collection method: clinical testing. Allele origin: germline. Affected: yes.
Comment: PS4_moderate, PM2_moderate, PS2_strong

Medical and Scientific Branch, Hong Kong Genome Institute
Classification: Pathogenic for Stickler syndrome type 1. Last evaluated: 2026-01-26. Review status: criteria provided, single submitter. Criteria: ACMG Guidelines, 2015. Collection method: clinical testing. Allele origin: maternal. Affected: yes.

Labcorp Genetics (formerly Invitae), Labcorp
Classification: Pathogenic. Last evaluated: 2025-11-01. Review status: criteria provided, single submitter. Criteria: Invitae Variant Classification Sherloc (09022015). Collection method: clinical testing. Allele origin: germline.
Comment: This sequence change replaces arginine, which is basic and polar, with cysteine, which is neutral and slightly polar, at codon 565 of the COL2A1 protein (p.Arg565Cys). This variant is not present in population databases (gnomAD no frequency). This missense change has been observed in individual(s) with Stickler syndrome or early onset high myopia (PMID: 11007540, 26747767, 27390512, 29453956). In at least one individual the variant was observed to be de novo. This variant is also known as R365C. ClinVar contains an entry for this variant (Variation ID: 17383). Invitae Evidence Modeling of protein sequence and biophysical properties (such as structural, functional, and spatial information, amino acid conservation, physicochemical variation, residue mobility, and thermodynamic stability) indicates that this missense variant is not expected to disrupt COL2A1 protein function with a negative predictive value of 95%. For these reasons, this variant has been classified as Pathogenic.

Cambridge Genomics Laboratory, East Genomic Laboratory Hub, NHS Genomic Medicine Service
Classification: Pathogenic for Stickler syndrome. Last evaluated: 2025-10-23. Review status: criteria provided, single submitter. Criteria: ACGS Best Practice Guidelines for Variant Classification in Rare Disease 2020. Collection method: clinical testing. Allele origin: germline. Affected: yes.
Comment: PS4_Moderate,PM2,PM6,PP1_Strong,PP4

Blueprint Genetics
Classification: Pathogenic for COL2A1-related disorders. Last evaluated: 2024-11-19. Review status: criteria provided, single submitter. Criteria: ACMG Guidelines, 2015. Collection method: clinical testing. Allele origin: germline. Affected: yes. Observed: 5 variant alleles.

GeneDx
Classification: Pathogenic. Last evaluated: 2024-08-12. Review status: criteria provided, single submitter. Criteria: GeneDx Variant Classification Process June 2021. Collection method: clinical testing. Allele origin: germline. Affected: yes.
Comment: Not observed at significant frequency in large population cohorts (gnomAD); Other missense variants that introduce a cysteine residue in the triple helical domain have been reported in association with COL2A1-related conditions (HGMD); In silico analysis indicates that this missense variant does not alter protein structure/function; This variant is associated with the following publications: (PMID: 26443184, 18309338, 36460718, 36729443, 32039712, 38073514, 11007540, 20179744, 27390512, 21204228, 16155195, 20513134, 16752401, 28283280, 30181686, 29453956, 26747767, 31758797, 32112773, 30653986, 32756486, 34737199, 34680973, 35473494)

Miami Human Genetics, University Of Miami Miller School Of Medicine
Classification: Pathogenic for Stickler syndrome, type I, nonsyndromic ocular. Last evaluated: 2024-05-09. Review status: criteria provided, single submitter. Criteria: ACMG Guidelines, 2015. Collection method: research. Allele origin: unknown. Inheritance: Autosomal dominant inheritance. Affected: yes. Observed: 1 heterozygote.

Center of Medical Genetics, Central South University
Classification: Likely pathogenic for Stickler syndrome type 1. Last evaluated: 2022-07-01. Review status: criteria provided, single submitter. Criteria: ACMG Guidelines, 2015. Collection method: research, in vitro. Allele origin: inherited, not applicable. Affected: yes. Observed: 7 variant alleles. Clinical features observed: High myopia, vitreoretinal degeneration, cataract, midfacial hypoplasia, sensorineural hearing loss, joint hypermobility, early-onset degenerative arthritis.

Victorian Clinical Genetics Services, Murdoch Childrens Research Institute
Classification: Pathogenic for Stickler syndrome type 1. Last evaluated: 2022-03-31. Review status: criteria provided, single submitter. Criteria: ACMG Guidelines, 2015. Collection method: clinical testing. Allele origin: germline. Inheritance: Autosomal dominant inheritance. Affected: yes.
Comment: Based on the classification scheme VCGS_Germline_v1.3.4, this variant is classified as Pathogenic. Following criteria are met: 0103 - Dominant negative and loss of function are known mechanisms of disease in this gene. Loss of function is associated with Stickler Syndrome while missense variants affecting glycine residue exert dominant-negative effect and is commonly associated with spondyloepiphyseal dysplasia (PMIDs: 15895462, 27234559). (I) 0107 - This gene is associated with autosomal dominant disease. (I) 0115 - Variants in this gene are known to have variable expressivity. Intra- and inter-familial phenotypic variability and expressivity has been reported (GeneReviews). (I) 0200 - Variant is predicted to result in a missense amino acid change from arginine to cysteine. (I) 0251 - This variant is heterozygous. (I) 0301 - Variant is absent from gnomAD (both v2 and v3). (SP) 0309 - Multiple alternative amino acid changes at the same position have been observed in gnomAD (v2 & v3) (highest allele count: 16 heterozygotes, 0 homozygotes). (I) 0502 - Missense variant with conflicting in silico predictions and uninformative conservation. (I) 0600 - Variant is located in the annotated triple-helical region (DECIPHER). (I) 0801 - This variant has very strong previous evidence of pathogenicity in unrelated individuals. It has been reported in multiple individuals with Stickler (ClinVar, PMIDs: 16752401, 20179744). (SP) Legend: (SP) - Supporting pathogenic, (I) - Information, (SB) - Supporting benign

NM_001844.5(COL2A1):c.1693C>T (p.Arg565Cys)

Gene: COL2A1 (collagen type II alpha 1 chain; minus strand). Cytogenetic location: 12q13.11.
Variant type: single nucleotide variant.
Coding change: c.1693C>T on transcript NM_001844.5 (MANE Select); coding-DNA position 1693, C replaced by T.
Protein change: p.Arg565Cys; replaces arginine 565 with cysteine.
Molecular consequence: missense variant.
Genome position (GRCh38, 1-based): chr12:47,985,575, G>A on the plus strand (C>T on the coding strand, the complement: COL2A1 is on the minus strand). VCF-style: chr12-47985575-G-A. GRCh37 (hg19) VCF-style: chr12-48379358-G-A.
Other names: R365C; c.1486C>T, p.Arg496Cys (NM_033150.3); short protein forms R496C, R565C.
Identifiers: ClinVar variation 17383 (VCV000017383.33), dbSNP rs121912884, ClinGen allele CA281746.